The following is an entry in ClinVar:

NM_020717.5(SHROOM4):c.724C>T (p.Arg242Cys)

Gene: SHROOM4 (shroom family member 4; minus strand). Cytogenetic location: Xp11.22.
Variant type: single nucleotide variant.
Coding change: c.724C>T on transcript NM_020717.5 (MANE Select); coding-DNA position 724, C replaced by T.
Protein change: p.Arg242Cys; replaces arginine 242 with cysteine.
Molecular consequence: missense variant. On other transcripts: non-coding transcript variant (4).
Genome position (GRCh38, 1-based): chrX:50,635,349, G>A on the plus strand (C>T on the coding strand, the complement: SHROOM4 is on the minus strand). VCF-style: chrX-50635349-G-A. GRCh37 (hg19) VCF-style: chrX-50378349-G-A.
Other names: short protein forms R242C.
Identifiers: ClinVar variation 1029774 (VCV001029774.2), dbSNP rs782548063, ClinGen allele CA10416325.
Genomic context (GRCh38, chrX:50,635,349, plus strand): 5'-ATCCCTCCTGTGGACGGGATGACATCTGAGAGCTGGGGGTCAGGTGGCCCCCATTGGTGC[G>A]CCGACTACCTCCTGAGGTCTCAGCCACATTAGGCCGGCCACTGGGGGCCTTAGTTGGCCC-3'
Protein context (NP_065768.2, residues 232-252): NVAETSGGSR[Arg242Cys]TNGGHLTPSS

ClinVar aggregate classification (germline): Uncertain significance. Review status: criteria provided, multiple submitters, no conflicts (2 of 4 stars). 2 submissions from 2 submitters: Uncertain significance (2). Last evaluated 2024-09-25.

Conditions:
Intellectual developmental disorder, X-linked, syndromic, Stocco dos Santos type. Also called: STOCCO DOS SANTOS X-LINKED MENTAL RETARDATION SYNDROME; Stocco dos Santos syndrome; X-linked intellectual disability, Stocco dos Santos type. Identifiers: Orphanet 85288, MedGen C1845530, MONDO:0010325, OMIM 300434.

Allele frequency attached by ClinVar (database versions not stated): gnomAD exomes 0.00011 and 0.00004; gnomAD 0.00002; TOPMed 0.00002; 1000 Genomes Project 0.00026; ExAC 0.00004; 1000 Genomes Project 30x 0.00042.
gnomAD v4.1: 114 of 1,201,537 alleles (0.0095%); highest among the groups gnomAD compares: Non-Finnish European, 0.012%; no homozygotes.

Submissions (2):

Ambry Genetics
Classification: Uncertain significance. Last evaluated: 2024-09-25. Review status: criteria provided, single submitter. Criteria: Ambry Variant Classification Scheme 2023. Collection method: clinical testing. Allele origin: germline.

Baylor Genetics
Classification: Uncertain significance for Intellectual developmental disorder, X-linked, syndromic, Stocco dos Santos type. Last evaluated: 2019-07-31. Review status: criteria provided, single submitter. Criteria: ACMG Guidelines, 2015. Collection method: clinical testing. Allele origin: unknown. Affected: yes.
Comment: This variant was determined to be of uncertain significance according to ACMG Guidelines, 2015 [PMID:25741868].